The following is an entry in ClinVar:

ClinVar aggregate classification (germline): Uncertain significance (1 of 4 stars; one submission).

Conditions:
Severe combined immunodeficiency due to IKK2 deficiency. Also called: Immunodeficiency 15; IMMUNODEFICIENCY 15B. Identifiers: Orphanet 397787, MedGen C4747743, MONDO:0014267, OMIM 615592.

Allele frequency attached by ClinVar (database versions not stated): TOPMed below 0.00001; gnomAD exomes 0.00001.
gnomAD v4.1: 11 of 1,614,098 alleles (0.00068%); highest among the groups gnomAD compares: Admixed American, 0.0017%; no homozygotes.

Submission:

Labcorp Genetics (formerly Invitae), Labcorp
Classification: Uncertain significance for Severe combined immunodeficiency due to IKK2 deficiency. Last evaluated: 2025-08-29. Review status: criteria provided, single submitter. Criteria: Invitae Variant Classification Sherloc (09022015). Collection method: clinical testing. Allele origin: germline.
Comment: This sequence change replaces glutamic acid, which is acidic and polar, with lysine, which is basic and polar, at codon 247 of the IKBKB protein (p.Glu247Lys). This variant is present in population databases (no rsID available, gnomAD 0.003%). This variant has not been reported in the literature in individuals affected with IKBKB-related conditions. ClinVar contains an entry for this variant (Variation ID: 1914287). Invitae Evidence Modeling of protein sequence and biophysical properties (such as structural, functional, and spatial information, amino acid conservation, physicochemical variation, residue mobility, and thermodynamic stability) indicates that this missense variant is not expected to disrupt IKBKB protein function with a negative predictive value of 95%. In summary, the available evidence is currently insufficient to determine the role of this variant in disease. Therefore, it has been classified as a Variant of Uncertain Significance.

NM_001556.3(IKBKB):c.739G>A (p.Glu247Lys)

Gene: IKBKB (inhibitor of nuclear factor kappa B kinase subunit beta; plus strand). Cytogenetic location: 8p11.21.
Variant type: single nucleotide variant.
Coding change: c.739G>A on transcript NM_001556.3 (MANE Select); coding-DNA position 739, G replaced by A.
Protein change: p.Glu247Lys; replaces glutamic acid 247 with lysine.
Molecular consequence: missense variant. On other transcripts: non-coding transcript variant (3).
Genome position (GRCh38, 1-based): chr8:42,314,368, G>A. VCF-style: chr8-42314368-G-A. GRCh37 (hg19) VCF-style: chr8-42171886-G-A.
Other names: c.547G>A, p.Glu183Lys (NM_001190720.3); c.562G>A, p.Glu188Lys (NM_001242778.2); short protein forms E188K, E247K, E183K.
Identifiers: ClinVar variation 1914287 (VCV001914287.4), dbSNP rs1289987110, ClinGen allele CA371083125.